The following is an entry in ClinVar:

NM_001395413.1(POR):c.157G>A (p.Glu53Lys)

Gene: POR (cytochrome p450 oxidoreductase; plus strand). Cytogenetic location: 7q11.23.
Variant type: single nucleotide variant.
Coding change: c.157G>A on transcript NM_001395413.1 (MANE Select); coding-DNA position 157, G replaced by A.
Protein change: p.Glu53Lys; replaces glutamic acid 53 with lysine.
Molecular consequence: missense variant.
Genome position (GRCh38, 1-based): chr7:75,954,158, G>A. VCF-style: chr7-75954158-G-A. GRCh37 (hg19) VCF-style: chr7-75583476-G-A.
Other names: c.157G>A, p.Glu53Lys (NM_001367562.3, NM_001382655.3, NM_001382657.2 and 3 more transcripts); c.166G>A (NM_000941.3); short protein forms E53K.
Identifiers: ClinVar variation 1429691 (VCV001429691.7), dbSNP rs782151568, ClinGen allele CA4303468.

ClinVar aggregate classification (germline): Uncertain significance. Review status: criteria provided, multiple submitters, no conflicts (2 of 4 stars). 2 submissions from 2 submitters: Uncertain significance (2). Last evaluated 2023-08-30.

Conditions:
Congenital adrenal hyperplasia due to cytochrome P450 oxidoreductase deficiency. Also called: DISORDERED STEROIDOGENESIS DUE TO POR DEFICIENCY. Identifiers: Orphanet 95699, MedGen C1860042, MONDO:0013310, OMIM 613571.

Allele frequency attached by ClinVar (database versions not stated): ExAC 0.00001; gnomAD 0.00001; gnomAD exomes 0.00001 and 0.00002.
gnomAD v4.1: 15 of 1,611,068 alleles (0.00093%); highest among the groups gnomAD compares: South Asian, 0.0089%; no homozygotes.

Submissions (2):

Labcorp Genetics (formerly Invitae), Labcorp
Classification: Uncertain significance for Congenital adrenal hyperplasia due to cytochrome P450 oxidoreductase deficiency. Last evaluated: 2023-08-30. Review status: criteria provided, single submitter. Criteria: Invitae Variant Classification Sherloc (09022015). Collection method: clinical testing. Allele origin: germline.
Comment: In summary, the available evidence is currently insufficient to determine the role of this variant in disease. Therefore, it has been classified as a Variant of Uncertain Significance. An algorithm developed to predict the effect of missense changes on protein structure and function (PolyPhen-2) suggests that this variant is likely to be tolerated. ClinVar contains an entry for this variant (Variation ID: 1429691). This variant has not been reported in the literature in individuals affected with POR-related conditions. This variant is present in population databases (rs782151568, gnomAD 0.007%). This sequence change replaces glutamic acid, which is acidic and polar, with lysine, which is basic and polar, at codon 56 of the POR protein (p.Glu56Lys).

Revvity Omics, Revvity
Classification: Uncertain significance. Last evaluated: 2022-06-22. Review status: criteria provided, single submitter. Criteria: ACMG Guidelines, 2015. Collection method: clinical testing. Allele origin: germline.